The following is an entry in ClinVar:

NM_017852.5(NLRP2):c.2478G>A (p.Glu826=)

Gene: NLRP2 (NLR family pyrin domain containing 2; plus strand). Cytogenetic location: 19q13.42.
Variant type: single nucleotide variant.
Coding change: c.2478G>A on transcript NM_017852.5 (MANE Select); coding-DNA position 2478, G replaced by A.
Protein change: p.Glu826=; no amino-acid change (glutamic acid 826 retained).
Molecular consequence: synonymous variant. On other transcripts: non-coding transcript variant (1).
Genome position (GRCh38, 1-based): chr19:54,990,133, G>A. VCF-style: chr19-54990133-G-A. GRCh37 (hg19) VCF-style: chr19-55501501-G-A.
Other names: c.2478G>A, p.Glu826= (NM_001174081.3); c.2412G>A, p.Glu804= (NM_001174082.3); c.2409G>A, p.Glu803= (NM_001174083.2); c.2469G>A, p.Glu823= (NM_001348003.2).
Identifiers: ClinVar variation 2663005 (VCV002663005.1), dbSNP rs1271960229, ClinGen allele CA883735306.

ClinVar aggregate classification (germline): Uncertain significance (1 of 4 stars; one submission).

Allele frequency attached by ClinVar (database versions not stated): gnomAD exomes below 0.00001; gnomAD 0.00001; TOPMed 0.00001.

Submission:

GeneDx
Classification: Uncertain significance. Last evaluated: 2023-04-18. Review status: criteria provided, single submitter. Criteria: GeneDx Variant Classification Process June 2021. Collection method: clinical testing. Allele origin: germline. Affected: yes.
Comment: Not observed at significant frequency in large population cohorts (gnomAD); Has not been previously published as pathogenic or benign to our knowledge; In silico analysis suggests this variant may impact gene splicing. In the absence of RNA/functional studies, the actual effect of this sequence change is unknown.